The following is an entry in ClinVar:

NM_017617.5(NOTCH1):c.1334C>T (p.Thr445Met)

Gene: NOTCH1 (notch receptor 1; minus strand). Cytogenetic location: 9q34.3.
Variant type: single nucleotide variant.
Coding change: c.1334C>T on transcript NM_017617.5 (MANE Select); coding-DNA position 1334, C replaced by T.
Protein change: p.Thr445Met; replaces threonine 445 with methionine.
Molecular consequence: missense variant.
Genome position (GRCh38, 1-based): chr9:136,517,859, G>A on the plus strand (C>T on the coding strand, the complement: NOTCH1 is on the minus strand). VCF-style: chr9-136517859-G-A. GRCh37 (hg19) VCF-style: chr9-139412311-G-A.
Other names: short protein forms T445M.
Identifiers: ClinVar variation 1703185 (VCV001703185.6), dbSNP rs752919688, ClinGen allele CA5341834.

ClinVar aggregate classification (germline): Conflicting classifications of pathogenicity. Review status: criteria provided, conflicting classifications (1 of 4 stars). 3 submissions from 3 submitters: Uncertain significance (2); Likely benign (1). Last evaluated 2025-01-21.

Conditions:
Adams-Oliver syndrome 5 (AOS5). Identifiers: Orphanet 974, MedGen C4014970, MONDO:0014459, OMIM 616028.

Allele frequency attached by ClinVar (database versions not stated): ExAC 0.00001; gnomAD 0.00001; gnomAD exomes 0.00001; TOPMed 0.00002.
gnomAD v4.1: 15 of 1,612,544 alleles (0.00093%); highest among the groups gnomAD compares: East Asian, 0.0045%; no homozygotes.

Submissions (3):

Labcorp Genetics (formerly Invitae), Labcorp
Classification: Likely benign for Adams-Oliver syndrome 5. Last evaluated: 2025-01-21. Review status: criteria provided, single submitter. Criteria: Invitae Variant Classification Sherloc (09022015). Collection method: clinical testing. Allele origin: germline.

Greenwood Genetic Center Diagnostic Laboratories, Greenwood Genetic Center
Classification: Uncertain significance. Last evaluated: 2022-05-06. Review status: criteria provided, single submitter. Criteria: ACMG Guidelines, 2015. Collection method: clinical testing. Allele origin: germline. Affected: yes.
Comment: PP2

Blueprint Genetics
Classification: Uncertain significance. Last evaluated: 2019-09-17. Review status: criteria provided, single submitter. Criteria: ACMG Guidelines, 2015. Collection method: clinical testing. Allele origin: germline.